The following is an entry in ClinVar:

NC_000007.13:g.154429757_154459864del

Gene: DPP6 (dipeptidyl peptidase like 6; plus strand). Cytogenetic location: 7q36.2.
Variant type: Deletion.
Identifiers: ClinVar variation 4887789 (VCV004887789.1).

ClinVar aggregate classification (germline): Uncertain significance (1 of 4 stars; one submission).

Submission:

Women's Health and Genetics/Laboratory Corporation of America, LabCorp
Classification: Uncertain significance. Last evaluated: 2026-06-19. Review status: criteria provided, single submitter. Criteria: LabCorp Variant Classification Summary - May 2015. Collection method: clinical testing. Allele origin: germline.
Comment: Variant summary: The variant involves a large deletion (size: ~30 kbp) within intron 6 in the DPP6 gene. A presumed nomenclature of c.680+174_681-1206del has been designated for the purposes of this classification. Current evidence is not sufficient to establish loss of function as a mechanism for disease. DPP6 c.680+174_681-1206del is located at a position not widely known to affect splicing. A similar deletion variant allele was found at a frequency of 4.1e-05 in 120780 control chromosomes in the gnomAD database (Structural Variants v4.1 dataset). The available data on variant occurrences in the general population are insufficient to allow any conclusion about variant significance. To our knowledge, no occurrence of c.680+174_681-1206del in individuals affected with DPP6-related conditions and no experimental evidence demonstrating its impact on protein function have been reported. No submitters have cited clinical-significance assessments for this variant to ClinVar. Based on the evidence outlined above, the variant was classified as uncertain significance.